The following is an entry in ClinVar:

NM_016219.5(MAN1B1):c.514C>T (p.Pro172Ser)

Gene: MAN1B1 (mannosidase alpha class 1B member 1; plus strand). Cytogenetic location: 9q34.3.
Variant type: single nucleotide variant.
Coding change: c.514C>T on transcript NM_016219.5 (MANE Select); coding-DNA position 514, C replaced by T.
Protein change: p.Pro172Ser; replaces proline 172 with serine.
Molecular consequence: missense variant. On other transcripts: non-coding transcript variant (2).
Genome position (GRCh38, 1-based): chr9:137,096,285, C>T. VCF-style: chr9-137096285-C-T. GRCh37 (hg19) VCF-style: chr9-139990737-C-T.
Other names: short protein forms P172S.
Identifiers: ClinVar variation 589250 (VCV000589250.9), dbSNP rs142144025, ClinGen allele CA5358675.

ClinVar aggregate classification (germline): Uncertain significance. Review status: criteria provided, multiple submitters, no conflicts (2 of 4 stars). 2 submissions from 2 submitters: Uncertain significance (2). Last evaluated 2024-08-02.

Conditions:
Inborn genetic diseases. Identifiers: MedGen C0950123, MeSH D030342.
Rafiq syndrome (RAFQS). Identifiers: Orphanet 88616, MedGen C3280127, MONDO:0013624, OMIM 614202.

Allele frequency attached by ClinVar (database versions not stated): ExAC 0.00013; gnomAD exomes 0.00013; gnomAD 0.00015 and 0.00016; 1000 Genomes Project 30x 0.00016; 1000 Genomes Project 0.00020; TOPMed 0.00020.
gnomAD v4.1: 216 of 1,614,098 alleles (0.013%); highest among the groups gnomAD compares: Admixed American, 0.062%; no homozygotes.

Submissions (2):

Ambry Genetics
Classification: Uncertain significance for Inborn genetic diseases. Last evaluated: 2024-08-02. Review status: criteria provided, single submitter. Criteria: Ambry Variant Classification Scheme 2023. Collection method: clinical testing. Allele origin: germline.

Labcorp Genetics (formerly Invitae), Labcorp
Classification: Uncertain significance for Rafiq syndrome. Last evaluated: 2022-03-18. Review status: criteria provided, single submitter. Criteria: Invitae Variant Classification Sherloc (09022015). Collection method: clinical testing. Allele origin: germline.
Comment: This sequence change replaces proline, which is neutral and non-polar, with serine, which is neutral and polar, at codon 172 of the MAN1B1 protein (p.Pro172Ser). This variant is present in population databases (rs142144025, gnomAD 0.05%). This variant has not been reported in the literature in individuals affected with MAN1B1-related conditions. ClinVar contains an entry for this variant (Variation ID: 589250). Algorithms developed to predict the effect of missense changes on protein structure and function are either unavailable or do not agree on the potential impact of this missense change (SIFT: "Deleterious"; PolyPhen-2: "Benign"; Align-GVGD: "Class C0"). In summary, the available evidence is currently insufficient to determine the role of this variant in disease. Therefore, it has been classified as a Variant of Uncertain Significance.